The following is an entry in ClinVar:

ClinVar aggregate classification (germline): Uncertain significance. Review status: criteria provided, multiple submitters, no conflicts (2 of 4 stars). 2 submissions from 2 submitters: Uncertain significance (2). Last evaluated 2025-10-22.

Conditions:
Familial adenomatous polyposis 2. Also called: FAP type 2; Adenomas, multiple colorectal; MUTYH-associated polyposis; MUTYH-related attenuated familial adenomatous polyposis; MYH-associated polyposis; COLORECTAL ADENOMATOUS POLYPOSIS, AUTOSOMAL RECESSIVE. Identifiers: Orphanet 220460, Orphanet 247798, MedGen C3272841, MONDO:0012041, OMIM 608456.
Hereditary cancer-predisposing syndrome. Also called: Neoplastic Syndromes, Hereditary; Hereditary Cancer Syndrome; Hereditary neoplastic syndrome; Tumor predisposition. Identifiers: Orphanet 140162, MedGen C0027672, MeSH D009386, MONDO:0015356.

Submissions (2):

Ambry Genetics
Classification: Uncertain significance for Hereditary cancer-predisposing syndrome. Last evaluated: 2025-10-22. Review status: criteria provided, single submitter. Criteria: Ambry Variant Classification Scheme 2023. Collection method: clinical testing. Allele origin: germline.
Comment: The p.Q106K variant (also known as c.316C>A), located in coding exon 3 of the MUTYH gene, results from a C to A substitution at nucleotide position 316. The glutamine at codon 106 is replaced by lysine, an amino acid with similar properties. This amino acid position is poorly conserved in available vertebrate species. In addition, this alteration is predicted to be tolerated by in silico analysis. Based on the available evidence, the clinical significance of this variant remains unclear.

Labcorp Genetics (formerly Invitae), Labcorp
Classification: Uncertain significance for Familial adenomatous polyposis 2. Last evaluated: 2024-04-08. Review status: criteria provided, single submitter. Criteria: Invitae Variant Classification Sherloc (09022015). Collection method: clinical testing. Allele origin: germline.
Comment: This sequence change replaces glutamine, which is neutral and polar, with lysine, which is basic and polar, at codon 106 of the MUTYH protein (p.Gln106Lys). This variant is not present in population databases (gnomAD no frequency). This variant has not been reported in the literature in individuals affected with MUTYH-related conditions. ClinVar contains an entry for this variant (Variation ID: 2132460). An algorithm developed to predict the effect of missense changes on protein structure and function (PolyPhen-2) suggests that this variant is likely to be tolerated. In summary, the available evidence is currently insufficient to determine the role of this variant in disease. Therefore, it has been classified as a Variant of Uncertain Significance.

NM_001048174.2(MUTYH):c.232C>A (p.Gln78Lys)

Gene: MUTYH (mutY DNA glycosylase; minus strand). Cytogenetic location: 1p34.1.
Variant type: single nucleotide variant.
Coding change: c.232C>A on transcript NM_001048174.2 (MANE Select); coding-DNA position 232, C replaced by A.
Protein change: p.Gln78Lys; replaces glutamine 78 with lysine.
Molecular consequence: missense variant. On other transcripts: 5 prime UTR variant (4), non-coding transcript variant (2).
Genome position (GRCh38, 1-based): chr1:45,333,445, G>T on the plus strand (C>A on the coding strand, the complement: MUTYH is on the minus strand). VCF-style: chr1-45333445-G-T. GRCh37 (hg19) VCF-style: chr1-45799117-G-T.
Other names: c.232C>A, p.Gln78Lys (NM_001048171.2, NM_001048173.2, NM_001293195.2 and 6 more transcripts); c.235C>A, p.Gln79Lys (NM_001048172.2, NM_001407071.1, NM_001407078.1 and 2 more transcripts); c.316C>A, p.Gln106Lys (NM_001128425.2); c.277C>A, p.Gln93Lys (NM_001293190.2); c.265C>A, p.Gln89Lys (NM_001293191.2, NM_001407077.1); c.-45C>A (NM_001293192.2, NM_001293196.2, NM_001407091.1); c.-40C>A (NM_001350650.2, NM_001350651.2, NM_001407082.1); c.307C>A, p.Gln103Lys (NM_001407069.1, NM_012222.3); and 3 more; short protein forms Q106K, Q103K, Q85K, Q89K, Q92K, Q50K, Q78K, Q79K.
Identifiers: ClinVar variation 2132460 (VCV002132460.5), dbSNP rs2524264897, ClinGen allele CA340136394.